The following is an entry in ClinVar:

NM_031448.6(C19orf12):c.85G>C (p.Gly29Arg)

Gene: C19orf12 (chromosome 19 open reading frame 12; minus strand). Cytogenetic location: 19q12.
Variant type: single nucleotide variant.
Coding change: c.85G>C on transcript NM_031448.6 (MANE Select); coding-DNA position 85, G replaced by C.
Protein change: p.Gly29Arg; replaces glycine 29 with arginine.
Molecular consequence: missense variant. On other transcripts: 5 prime UTR variant (1), intron variant (2).
Genome position (GRCh38, 1-based): chr19:29,708,329, C>G on the plus strand (G>C on the coding strand, the complement: C19orf12 is on the minus strand). VCF-style: chr19-29708329-C-G. GRCh37 (hg19) VCF-style: chr19-30199236-C-G.
Other names: c.85G>C, p.Gly29Arg (NM_001031726.4, NM_001256046.3, NM_001256047.2); c.-229G>C (NM_001282931.3); c.-32-5352G>C (NM_001282929.1, NM_001282930.3); short protein forms G29R.
Identifiers: ClinVar variation 1188837 (VCV001188837.9), dbSNP rs746178765, ClinGen allele CA9351989.

ClinVar aggregate classification (germline): Uncertain significance. Review status: criteria provided, single submitter (1 of 4 stars). 2 submissions from 2 submitters: Uncertain significance (1). 1 of the submissions does not count toward it. Last evaluated 2022-08-15.

Conditions:
Hereditary spastic paraplegia 43. Also called: Spastic paraplegia 43, autosomal recessive. Identifiers: Orphanet 320370, MedGen C2680446, MONDO:0014024, OMIM 615043.
Neurodegeneration with brain iron accumulation 4 (NBIA4). Also called: MITOCHONDRIAL PROTEIN-ASSOCIATED NEURODEGENERATION. Identifiers: Orphanet 289560, MedGen C3280371, MONDO:0013674, OMIM 614298. Disease mechanism: loss of function.

Allele frequency attached by ClinVar (database versions not stated): gnomAD exomes below 0.00001 and 0.00001; TOPMed below 0.00001; ExAC 0.00002.

Submissions (2):

Labcorp Genetics (formerly Invitae), Labcorp
Classification: Uncertain significance for Hereditary spastic paraplegia 43. Last evaluated: 2022-08-15. Review status: criteria provided, single submitter. Criteria: Invitae Variant Classification Sherloc (09022015). Collection method: clinical testing. Allele origin: germline.
Comment: In summary, the available evidence is currently insufficient to determine the role of this variant in disease. Therefore, it has been classified as a Variant of Uncertain Significance. Algorithms developed to predict the effect of missense changes on protein structure and function (SIFT, PolyPhen-2, Align-GVGD) all suggest that this variant is likely to be tolerated. ClinVar contains an entry for this variant (Variation ID: 1188837). This variant has not been reported in the literature in individuals affected with C19orf12-related conditions. This variant is present in population databases (rs746178765, gnomAD 0.006%). This sequence change replaces glycine, which is neutral and non-polar, with arginine, which is basic and polar, at codon 40 of the C19orf12 protein (p.Gly40Arg).

Gene Discovery Core-Manton Center, Boston Children's Hospital
Classification: Likely pathogenic for Neurodegeneration with brain iron accumulation 4. Last evaluated: 2020-02-14. Review status: no assertion criteria provided. Collection method: research. Allele origin: germline. Affected: yes. Not counted in ClinVar's aggregate classification.
Comment: This variant is interpreted as Likely Pathogenic for Neurodegeneration with brain iron accumulation 4; Autosomal Recessive. PM1- Located in a mutational hot spot and/or critical and well-established functional domain (e.g., active site of an enzyme) without benign variation. PM2- Absent from controls or at extremely low frequency if recessive (0 homozygotes in gnomad). PM3- For recessive disorders, detected in trans with a pathogenic variant. PP2- Missense variant in a gene that has a low rate of benign missense variation and in which missense variants are a common mechanism of disease. BP4- Multiple lines of computational evidence suggest no impact on gene or gene product (conservation, evolutionary, splicing impact, etc.)